The following is an entry in ClinVar:

NM_198252.3(GSN):c.-10+985T>A

Genes: GSN (gelsolin; plus strand), GSN-AS1 (GSN antisense RNA 1; minus strand), LOC126860752 (CDK7 strongly-dependent group 2 enhancer GRCh37_chr9:124043752-124044951; plus strand). Cytogenetic location: 9q33.2.
Variant type: single nucleotide variant.
Coding change: c.-10+985T>A on transcript NM_198252.3 (MANE Select); 985 bases into the intron after 10 bases upstream of the start codon, T replaced by A.
Molecular consequence: intron variant. On other transcripts: synonymous variant (1), 5 prime UTR variant (5), non-coding transcript variant (1).
Genome position (GRCh38, 1-based): chr9:121,282,547, T>A. VCF-style: chr9-121282547-T-A. GRCh37 (hg19) VCF-style: chr9-124044825-T-A.
Other names: c.96T>A, p.Ala32= (NM_001127663.2); c.-5T>A (NM_001353056.2, NM_001353059.2); c.-42T>A (NM_001353068.2, NM_001353073.2); c.-51T>A (NM_001353072.2); c.-10+985T>A (NM_001353054.1, NM_001353053.1, NM_001353060.2 and 2 more transcripts); c.-48+985T>A (NM_001353064.2, NM_001353066.2, NM_001353076.2 and 1 more transcripts); c.-2+985T>A (NM_001353058.2, NM_001353057.2); c.-39+594T>A (NM_001353065.2); and 12 more.
Identifiers: ClinVar variation 4981069 (VCV004981069.1).

ClinVar aggregate classification (germline): Likely benign (1 of 4 stars; one submission).

Conditions:
GSN-related disorder. Also called: GSN-related condition.

Submission:

PreventionGenetics, part of Exact Sciences
Classification: Likely benign for GSN-related condition. Last evaluated: 2025-03-17. Review status: criteria provided, single submitter. Criteria: ACMG Guidelines, 2015. Collection method: clinical testing. Allele origin: germline.
Comment: This variant is classified as likely benign based on ACMG/AMP sequence variant interpretation guidelines (Richards et al. 2015 PMID: 25741868, with internal and published modifications).